The following is an entry in ClinVar:

ClinVar aggregate classification (germline): Uncertain significance (1 of 4 stars; one submission).

Submission:

Dasa
Classification: Uncertain significance. Last evaluated: 2026-07-13. Review status: criteria provided, single submitter. Criteria: DASA Assertion Criteria. Collection method: clinical testing. Allele origin: germline.
Comment: NM_001171.6(ABCC6):c.2257C>A (p.Leu753Ile) is a missense variant that results in the substitution of leucine with isoleucine. This variant is rare in population databases. Computational prediction algorithms are consistent with a deleterious effect. The currently available literature and clinical evidence are not sufficient to establish a definitive association between this variant and the reported condition. Therefore, this variant is classified as a variant of uncertain significance.

NM_001171.6(ABCC6):c.2257C>A (p.Leu753Ile)

Gene: ABCC6 (ATP binding cassette subfamily C member 6; minus strand). Cytogenetic location: 16p13.11.
Variant type: single nucleotide variant.
Coding change: c.2257C>A on transcript NM_001171.6 (MANE Select); coding-DNA position 2257, C replaced by A.
Protein change: p.Leu753Ile; replaces leucine 753 with isoleucine.
Molecular consequence: missense variant. On other transcripts: non-coding transcript variant (4), intron variant (1).
Genome position (GRCh38, 1-based): chr16:16,178,956, G>T on the plus strand (C>A on the coding strand, the complement: ABCC6 is on the minus strand). VCF-style: chr16-16178956-G-T. GRCh37 (hg19) VCF-style: chr16-16272813-G-T.
Other names: c.1915C>A, p.Leu639Ile (NM_001351800.1); c.2257C>A, p.Leu753Ile (NM_001440309.1); c.2248-1330C>A (NM_001440310.1); short protein forms L639I, L753I.
Identifiers: ClinVar variation 5020198 (VCV005020198.1).